The following is an entry in ClinVar:

NM_000393.5(COL5A2):c.3878C>T (p.Ala1293Val)

Gene: COL5A2 (collagen type V alpha 2 chain; minus strand). Cytogenetic location: 2q32.2.
Variant type: single nucleotide variant.
Coding change: c.3878C>T on transcript NM_000393.5 (MANE Select); coding-DNA position 3878, C replaced by T.
Protein change: p.Ala1293Val; replaces alanine 1293 with valine.
Molecular consequence: missense variant.
Genome position (GRCh38, 1-based): chr2:189,039,319, G>A on the plus strand (C>T on the coding strand, the complement: COL5A2 is on the minus strand). VCF-style: chr2-189039319-G-A. GRCh37 (hg19) VCF-style: chr2-189904045-G-A.
Other names: c.3878C>T (NM_000393.4); short protein forms A1293V.
Identifiers: ClinVar variation 459748 (VCV000459748.11), dbSNP rs1251846979, ClinGen allele CA349857474.

ClinVar aggregate classification (germline): Uncertain significance. Review status: criteria provided, multiple submitters, no conflicts (2 of 4 stars). 2 submissions from 2 submitters: Uncertain significance (2). Last evaluated 2026-01-21.

Conditions:
Ehlers-Danlos syndrome, classic type, 1 (EDSCL1). Also called: EHLERS-DANLOS SYNDROME, GRAVIS TYPE; EHLERS-DANLOS SYNDROME, SEVERE CLASSIC TYPE; EDS I; Ehlers-Danlos Syndrome, Classic Type, COL5A1-Related; Ehlers-Danlos syndrome, type 1. Identifiers: MedGen C0268335, MONDO:0019567, OMIM 130000.
COL5A2-related disorder. Also called: COL5A2-related condition.

Allele frequency attached by ClinVar (database versions not stated): gnomAD exomes below 0.00001 and 0.00001.
gnomAD v4.1: 13 of 1,614,056 alleles (0.00081%); highest among the groups gnomAD compares: Non-Finnish European, 0.0011%; no homozygotes.

Submissions (2):

Labcorp Genetics (formerly Invitae), Labcorp
Classification: Uncertain significance for Ehlers-Danlos syndrome, classic type, 1. Last evaluated: 2026-01-21. Review status: criteria provided, single submitter. Criteria: Invitae Variant Classification Sherloc (09022015). Collection method: clinical testing. Allele origin: germline.
Comment: This sequence change replaces alanine, which is neutral and non-polar, with valine, which is neutral and non-polar, at codon 1293 of the COL5A2 protein (p.Ala1293Val). This variant is present in population databases (no rsID available, gnomAD 0.0009%). This missense change has been observed in individual(s) with clinical features of COL5A2-related conditions (internal data). ClinVar contains an entry for this variant (Variation ID: 459748). Invitae Evidence Modeling of protein sequence and biophysical properties (such as structural, functional, and spatial information, amino acid conservation, physicochemical variation, residue mobility, and thermodynamic stability) indicates that this missense variant is not expected to disrupt COL5A2 protein function with a negative predictive value of 80%. In summary, the available evidence is currently insufficient to determine the role of this variant in disease. Therefore, it has been classified as a Variant of Uncertain Significance.

PreventionGenetics, part of Exact Sciences
Classification: Uncertain significance for COL5A2-related condition. Last evaluated: 2023-01-26. Review status: criteria provided, single submitter. Criteria: ACMG Guidelines, 2015. Collection method: clinical testing. Allele origin: germline.
Comment: The COL5A2 c.3878C>T variant is predicted to result in the amino acid substitution p.Ala1293Val. To our knowledge, this variant has not been reported in the literature. This variant is reported in 0.00088% of alleles in individuals of European (Non-Finnish) descent in gnomAD. At this time, the clinical significance of this variant is uncertain due to the absence of conclusive functional and genetic evidence.